The following is an entry in ClinVar:

NM_015896.4(ZMYND10):c.31del (p.Glu11fs)

Gene: ZMYND10 (zinc finger MYND-type containing 10; minus strand). Cytogenetic location: 3p21.31.
Variant type: Deletion.
Coding change: c.31del on transcript NM_015896.4 (MANE Select); coding-DNA position 31, one base deleted (G; older notation c.31delG).
Protein change: p.Glu11fs; shifts the reading frame from glutamic acid 11.
Molecular consequence: frameshift variant.
Genome position (GRCh38, 1-based): chr3:50,345,549, C deleted on the plus strand (G on the coding strand, the reverse complement: ZMYND10 is on the minus strand); the first of 4 consecutive C bases (chr3:50,345,549-50,345,552); deleting any one gives the same sequence. VCF-style (leftmost placement, unchanged base first): chr3-50345548-TC-T. GRCh37 (hg19) VCF-style: chr3-50382979-TC-T.
Other names: c.31del, p.Glu11fs (NM_001308379.2); short protein forms E11fs.
Identifiers: ClinVar variation 3383004 (VCV003383004.2).

ClinVar aggregate classification (germline): Pathogenic (1 of 4 stars; one submission).

Conditions:
Primary ciliary dyskinesia 22. Also called: CILIARY DYSKINESIA, PRIMARY, 22, WITH OR WITHOUT SITUS INVERSUS. Identifiers: Orphanet 244, MedGen C3809543, MONDO:0014192, OMIM 615444.

Submission:

Juno Genomics, Hangzhou Juno Genomics, Inc
Classification: Pathogenic for Primary ciliary dyskinesia 22. Review status: criteria provided, single submitter. Criteria: ACMG Guidelines, 2015. Collection method: clinical testing. Allele origin: germline. Affected: yes.
Comment: Null variant in a gene where loss of function (LOF) is a known mechanism of disease.;Absent from controls (or at extremely low frequency if recessive) in Genome Aggregation Database, Exome Sequencing Project, 1000 Genomes Project, or Exome Aggregation Consortium.;For recessive disorders, detected in trans with a pathogenic variant.